The following is an entry in ClinVar:

NM_001127671.2(LIFR):c.1475_1482del (p.Tyr492fs)

Gene: LIFR (LIF receptor subunit alpha; minus strand). Cytogenetic location: 5p13.1.
Variant type: Deletion.
Coding change: c.1475_1482del on transcript NM_001127671.2 (MANE Select); coding-DNA positions 1475 to 1482, 8 bases deleted (ATCTTGTT; older notation c.1475_1482delATCTTGTT).
Protein change: p.Tyr492fs; shifts the reading frame from tyrosine 492.
Molecular consequence: frameshift variant.
Genome position (GRCh38, 1-based): chr5:38,502,755-38,502,762, AACAAGAT deleted on the plus strand (ATCTTGTT on the coding strand, the reverse complement: LIFR is on the minus strand); deleting any 8 consecutive bases within chr5:38,502,755-38,502,765 gives the same sequence; the c. name uses the placement nearest the transcript's 3' end. VCF-style (leftmost placement, unchanged base first): chr5-38502754-CAACAAGAT-C. GRCh37 (hg19) VCF-style: chr5-38502856-CAACAAGAT-C.
Other names: c.1475_1482del, p.Tyr492fs (NM_001364297.2, NM_001364298.2, NM_002310.6); short protein forms Y492fs.
Identifiers: ClinVar variation 1459382 (VCV001459382.6), dbSNP rs2112457520, ClinGen allele CA2573139615.

ClinVar aggregate classification (germline): Pathogenic (1 of 4 stars; one submission).

Submission:

Labcorp Genetics (formerly Invitae), Labcorp
Classification: Pathogenic. Last evaluated: 2021-07-15. Review status: criteria provided, single submitter. Criteria: Invitae Variant Classification Sherloc (09022015). Collection method: clinical testing. Allele origin: germline.
Comment: This sequence change creates a premature translational stop signal (p.Tyr492Cysfs*20) in the LIFR gene. It is expected to result in an absent or disrupted protein product. Loss-of-function variants in LIFR are known to be pathogenic (PMID: 14740318). This variant is not present in population databases (ExAC no frequency). For these reasons, this variant has been classified as Pathogenic. This variant has not been reported in the literature in individuals affected with LIFR-related conditions.

Literature cited by the submitters: PubMed 14740318.